The following is an entry in ClinVar:

NM_022051.3(EGLN1):c.174C>A (p.Cys58Ter)

Gene: EGLN1 (egl-9 family hypoxia inducible factor 1; minus strand). Cytogenetic location: 1q42.2.
Variant type: single nucleotide variant.
Coding change: c.174C>A on transcript NM_022051.3 (MANE Select); coding-DNA position 174, C replaced by A.
Protein change: p.Cys58Ter; replaces cysteine 58 with a stop codon.
Molecular consequence: nonsense.
Genome position (GRCh38, 1-based): chr1:231,421,715, G>T on the plus strand (C>A on the coding strand, the complement: EGLN1 is on the minus strand). VCF-style: chr1-231421715-G-T. GRCh37 (hg19) VCF-style: chr1-231557461-G-T.
Other names: c.174C>A, p.Cys58Ter (NM_001377260.1, NM_001377261.1); short protein forms C58*.
Identifiers: ClinVar variation 4724899 (VCV004724899.1).

ClinVar aggregate classification (germline): Pathogenic (1 of 4 stars; one submission).

Conditions:
Erythrocytosis, familial, 3 (ECYT3). Identifiers: Orphanet 247511, MedGen C1853286, MONDO:0012353, OMIM 609820.

Submission:

Labcorp Genetics (formerly Invitae), Labcorp
Classification: Pathogenic for Erythrocytosis, familial, 3. Last evaluated: 2025-08-06. Review status: criteria provided, single submitter. Criteria: Invitae Variant Classification Sherloc (09022015). Collection method: clinical testing. Allele origin: germline.
Comment: This sequence change creates a premature translational stop signal (p.Cys58*) in the EGLN1 gene. It is expected to result in an absent or disrupted protein product. Loss-of-function variants in EGLN1 are known to be pathogenic (PMID: 17933562, 21933857). This variant is not present in population databases (gnomAD no frequency). This variant has not been reported in the literature in individuals affected with EGLN1-related conditions. For these reasons, this variant has been classified as Pathogenic.

Literature cited by the submitters: PubMed 17933562; PubMed 21933857.